The following is an entry in ClinVar:

NM_014023.4(WDR37):c.520A>G (p.Thr174Ala)

Gene: WDR37 (WD repeat domain 37; plus strand). Cytogenetic location: 10p15.3.
Variant type: single nucleotide variant.
Coding change: c.520A>G on transcript NM_014023.4 (MANE Select); coding-DNA position 520, A replaced by G.
Protein change: p.Thr174Ala; replaces threonine 174 with alanine.
Molecular consequence: missense variant.
Genome position (GRCh38, 1-based): chr10:1,084,526, A>G. VCF-style: chr10-1084526-A-G. GRCh37 (hg19) VCF-style: chr10-1130466-A-G.
Other names: short protein forms T174A.
Identifiers: ClinVar variation 4839489 (VCV004839489.1).
Genomic context (GRCh38, chr10:1,084,526, plus strand): 5'-GGCCACCGGGACGGCATCTGGGATGTCAGCGTGGCCAAGACACAGCCAGTGGTGCTCGGG[A>G]CTGCATCAGCCGGTGAGTCGCACACGGACCTGGCCAGCCTGCGGAAGCATGGCTGTGCTT-3'
Protein context (NP_054742.2, residues 164-184): VAKTQPVVLG[Thr174Ala]ASADHTALLW

ClinVar aggregate classification (germline): Uncertain significance (1 of 4 stars; one submission).

Conditions:
Inborn genetic diseases. Identifiers: MedGen C0950123, MeSH D030342.

gnomAD v4.1: 2 of 1,613,846 alleles (0.00012%); highest among the groups gnomAD compares: Admixed American, 0.0033%; no homozygotes.

Submission:

Ambry Genetics
Classification: Uncertain significance for Inborn genetic diseases. Last evaluated: 2026-01-21. Review status: criteria provided, single submitter. Criteria: Ambry Variant Classification Scheme 2023. Collection method: clinical testing. Allele origin: germline.
Comment: The c.520A>G (p.T174A) alteration is located in exon 6 (coding exon 5) of the WDR37 gene. This alteration results from a A to G substitution at nucleotide position 520, causing the threonine (T) at amino acid position 174 to be replaced by an alanine (A). Based on data from gnomAD, the G allele has an overall frequency of <0.001% (1/251136) total alleles studied. The highest observed frequency was 0.003% (1/34560) of Latino alleles. Based on insufficient or conflicting evidence, the clinical significance of this alteration remains unclear.